The following is an entry in ClinVar:

ClinVar aggregate classification (germline): Uncertain significance. Review status: criteria provided, multiple submitters, no conflicts (2 of 4 stars). 2 submissions from 2 submitters: Uncertain significance (2). Last evaluated 2025-06-02.

Conditions:
Pitt-Hopkins-like syndrome 2 (PTHSL2). Identifiers: Orphanet 221150, Orphanet 600663, MedGen C3280479, MONDO:0013690, OMIM 614325.

Submissions (2):

Labcorp Genetics (formerly Invitae), Labcorp
Classification: Uncertain significance for Pitt-Hopkins-like syndrome 2. Last evaluated: 2025-06-02. Review status: criteria provided, single submitter. Criteria: Invitae Variant Classification Sherloc (09022015). Collection method: clinical testing. Allele origin: germline.
Comment: This sequence change replaces aspartic acid, which is acidic and polar, with glutamic acid, which is acidic and polar, at codon 812 of the NRXN1 protein (p.Asp812Glu). This variant is not present in population databases (gnomAD no frequency). This variant has not been reported in the literature in individuals affected with NRXN1-related conditions. ClinVar contains an entry for this variant (Variation ID: 1025658). An algorithm developed to predict the effect of missense changes on protein structure and function (PolyPhen-2) suggests that this variant is likely to be tolerated. In summary, the available evidence is currently insufficient to determine the role of this variant in disease. Therefore, it has been classified as a Variant of Uncertain Significance.

GeneDx
Classification: Uncertain significance. Last evaluated: 2019-10-16. Review status: criteria provided, single submitter. Criteria: GeneDx Variant Classification Process June 2021. Collection method: clinical testing. Allele origin: germline. Affected: yes.
Comment: Not observed in large population cohorts (Lek et al., 2016); In silico analysis, which includes protein predictors and evolutionary conservation, supports a deleterious effect; Has not been previously published as pathogenic or benign to our knowledge

NM_001330078.2(NRXN1):c.2316C>A (p.Asp772Glu)

Gene: NRXN1 (neurexin 1; minus strand). Cytogenetic location: 2p16.3.
Variant type: single nucleotide variant.
Coding change: c.2316C>A on transcript NM_001330078.2 (MANE Select); coding-DNA position 2316, C replaced by A.
Protein change: p.Asp772Glu; replaces aspartic acid 772 with glutamic acid.
Molecular consequence: missense variant.
Genome position (GRCh38, 1-based): chr2:50,531,258, G>T on the plus strand (C>A on the coding strand, the complement: NRXN1 is on the minus strand). VCF-style: chr2-50531258-G-T. GRCh37 (hg19) VCF-style: chr2-50758396-G-T.
Other names: c.2436C>A, p.Asp812Glu (NM_001135659.3); c.2292C>A, p.Asp764Glu (NM_001330077.2, NM_001330082.2, NM_001330095.2); c.2277C>A, p.Asp759Glu (NM_001330083.2, NM_001330084.2); c.2316C>A, p.Asp772Glu (NM_001330085.2, NM_001330086.2, NM_004801.6); c.2232C>A, p.Asp744Glu (NM_001330087.2, NM_001330096.2); c.2262C>A, p.Asp754Glu (NM_001330088.2); c.2313C>A, p.Asp771Glu (NM_001330093.2); c.2304C>A, p.Asp768Glu (NM_001330094.2); short protein forms D771E, D772E, D812E, D744E, D754E, D759E, D764E, D768E.
Identifiers: ClinVar variation 1025658 (VCV001025658.10), dbSNP rs200449662, ClinGen allele CA346769459.